The following is an entry in ClinVar:

NM_138711.6(PPARG):c.224C>A (p.Ala75Glu)

Gene: PPARG (peroxisome proliferator activated receptor gamma; plus strand). Cytogenetic location: 3p25.2.
Variant type: single nucleotide variant.
Coding change: c.224C>A on transcript NM_138711.6 (MANE Select); coding-DNA position 224, C replaced by A.
Protein change: p.Ala75Glu; replaces alanine 75 with glutamic acid.
Molecular consequence: missense variant. On other transcripts: 5 prime UTR variant (1).
Genome position (GRCh38, 1-based): chr3:12,381,325, C>A. VCF-style: chr3-12381325-C-A. GRCh37 (hg19) VCF-style: chr3-12422824-C-A.
Other names: c.224C>A, p.Ala75Glu (NM_001330615.4, NM_001354666.3, NM_001354667.3 and 6 more transcripts); c.314C>A, p.Ala105Glu (NM_001354668.2, NM_001374265.1, NM_015869.5); c.-204C>A (NM_001354669.2); c.230C>A, p.Ala77Glu (NM_001354670.2, NM_001374266.1); short protein forms A77E, A105E, A75E.
Identifiers: ClinVar variation 5000495 (VCV005000495.1).

ClinVar aggregate classification (germline): Uncertain significance (1 of 4 stars; one submission).

Conditions:
PPARG-related disorder. Also called: PPARG-related disorders; PPARG-related condition.

Submission:

PreventionGenetics, part of Exact Sciences
Classification: Uncertain significance for PPARG-related condition. Last evaluated: 2026-07-02. Review status: criteria provided, single submitter. Criteria: ACMG Guidelines, 2015. Collection method: clinical testing. Allele origin: germline.
Comment: The PPARG c.314C>A variant is predicted to result in the amino acid substitution p.Ala105Glu. To our knowledge, this variant has not been reported in the literature or in a large population database (gnomAD), indicating this variant is rare. At this time, the clinical significance of this variant is uncertain due to the absence of conclusive functional and genetic evidence.